The following is an entry in ClinVar:

ClinVar aggregate classification (germline): Uncertain significance (1 of 4 stars; one submission).

Allele frequency attached by ClinVar (database versions not stated): gnomAD exomes below 0.00001; ExAC 0.00001; gnomAD 0.00001; TOPMed 0.00003.
gnomAD v4.1: 5 of 1,614,162 alleles (0.00031%); highest among the groups gnomAD compares: African/African-American, 0.004%; no homozygotes.

Submission:

GeneDx
Classification: Uncertain significance. Last evaluated: 2019-11-07. Review status: criteria provided, single submitter. Criteria: GeneDx Variant Classification Process June 2021. Collection method: clinical testing. Allele origin: germline. Affected: yes.
Comment: In silico analysis, which includes splice predictors and evolutionary conservation, supports that this variant does not alter protein structure/function; Has not been previously published as pathogenic or benign to our knowledge

NM_018117.12(WDR11):c.3120C>T (p.Val1040=)

Gene: WDR11 (WD repeat domain 11; plus strand). Cytogenetic location: 10q26.12.
Variant type: single nucleotide variant.
Coding change: c.3120C>T on transcript NM_018117.12 (MANE Select); coding-DNA position 3120, C replaced by T.
Protein change: p.Val1040=; no amino-acid change (valine 1040 retained).
Molecular consequence: synonymous variant.
Genome position (GRCh38, 1-based): chr10:120,904,738, C>T. VCF-style: chr10-120904738-C-T. GRCh37 (hg19) VCF-style: chr10-122664250-C-T.
Identifiers: ClinVar variation 1308712 (VCV001308712.2), dbSNP rs778608831, ClinGen allele CA5720212.